The following is an entry in ClinVar:

ClinVar aggregate classification (germline): Uncertain significance (1 of 4 stars; one submission).

Submission:

Labcorp Genetics (formerly Invitae), Labcorp
Classification: Uncertain significance. Last evaluated: 2021-12-01. Review status: criteria provided, single submitter. Criteria: Invitae Variant Classification Sherloc (09022015). Collection method: clinical testing. Allele origin: germline.
Comment: This variant, c.1618_1629del, results in the deletion of 4 amino acid(s) of the BCL11B protein (p.Glu540_Glu543del), but otherwise preserves the integrity of the reading frame. The frequency data for this variant in the population databases is considered unreliable, as metrics indicate poor data quality at this position in the gnomAD database. This variant has not been reported in the literature in individuals affected with BCL11B-related conditions. Experimental studies and prediction algorithms are not available or were not evaluated, and the functional significance of this variant is currently unknown. In summary, the available evidence is currently insufficient to determine the role of this variant in disease. Therefore, it has been classified as a Variant of Uncertain Significance.

NM_138576.4(BCL11B):c.1603GAG[5] (p.Glu540_Glu543del)

Gene: BCL11B (BCL11 transcription factor B; minus strand). Cytogenetic location: 14q32.2.
Variant type: Microsatellite.
Coding change: c.1603GAG[5] on transcript NM_138576.4 (MANE Select); five copies in a row of the 3-base unit GAG starting at c.1603; the reference has nine copies in a row; four copies, 12 bases deleted.
Protein change: p.Glu540_Glu543del.
Molecular consequence: inframe deletion.
Genome position (GRCh38, 1-based): chr14:99,175,207-99,175,218, CTCCTCCTCCTC deleted on the plus strand (GAGGAGGAGGAG on the coding strand, the reverse complement: BCL11B is on the minus strand); deleting any 12 consecutive bases within chr14:99,175,207-99,175,233 gives the same sequence; the position shown is the placement nearest the transcript's 3' end. VCF-style (leftmost placement, unchanged base first): chr14-99175206-GCTCCTCCTCCTC-G. GRCh37 (hg19) VCF-style: chr14-99641543-GCTCCTCCTCCTC-G.
Other names: c.1600GAG[5], p.Glu539_Glu542del (NM_001282237.2); c.1387GAG[5], p.Glu468_Glu471del (NM_001282238.2); c.1390GAG[5], p.Glu469_Glu472del (NM_022898.3).
Identifiers: ClinVar variation 1494576 (VCV001494576.6), dbSNP rs761352760, ClinGen allele CA616578052.